The following is an entry in ClinVar:

NM_000166.6(GJB1):c.394T>G (p.Trp132Gly)

Gene: GJB1 (gap junction protein beta 1; plus strand). Cytogenetic location: Xq13.1.
Variant type: single nucleotide variant.
Coding change: c.394T>G on transcript NM_000166.6 (MANE Select); coding-DNA position 394, T replaced by G.
Protein change: p.Trp132Gly; replaces tryptophan 132 with glycine.
Molecular consequence: missense variant.
Genome position (GRCh38, 1-based): chrX:71,224,101, T>G. VCF-style: chrX-71224101-T-G. GRCh37 (hg19) VCF-style: chrX-70443951-T-G.
Other names: c.394T>G, p.Trp132Gly (NM_001097642.3); short protein forms W132G.
Identifiers: ClinVar variation 655165 (VCV000655165.9), dbSNP rs1569215263, ClinGen allele CA413502157.

ClinVar aggregate classification (germline): Conflicting classifications of pathogenicity. Review status: criteria provided, conflicting classifications (1 of 4 stars). 2 submissions from 2 submitters: Likely pathogenic (1); Uncertain significance (1). Last evaluated 2022-02-04.

Conditions:
GJB1-related disorder. Also called: GJB1-related disorders; GJB1-related condition.
Charcot-Marie-Tooth Neuropathy X. Identifiers: MedGen CN118851.

Submissions (2):

Labcorp Genetics (formerly Invitae), Labcorp
Classification: Uncertain significance for Charcot-Marie-Tooth Neuropathy X. Last evaluated: 2022-02-04. Review status: criteria provided, single submitter. Criteria: Invitae Variant Classification Sherloc (09022015). Collection method: clinical testing. Allele origin: germline.
Comment: Algorithms developed to predict the effect of missense changes on protein structure and function (SIFT, PolyPhen-2, Align-GVGD) all suggest that this variant is likely to be disruptive. This variant disrupts the p.Trp132 amino acid residue in GJB1. Other variant(s) that disrupt this residue have been determined to be pathogenic (PMID: 21291455). This suggests that this residue is clinically significant, and that variants that disrupt this residue are likely to be disease-causing. In summary, the available evidence is currently insufficient to determine the role of this variant in disease. Therefore, it has been classified as a Variant of Uncertain Significance. This sequence change replaces tryptophan, which is neutral and slightly polar, with glycine, which is neutral and non-polar, at codon 132 of the GJB1 protein (p.Trp132Gly). This variant is not present in population databases (gnomAD no frequency). This missense change has been observed in individual(s) with Charcot-Marie-Tooth disease (Invitae). ClinVar contains an entry for this variant (Variation ID: 655165).

Blueprint Genetics
Classification: Likely pathogenic for GJB1-related disorders. Last evaluated: 2020-03-04. Review status: criteria provided, single submitter. Criteria: ACMG Guidelines, 2015. Collection method: clinical testing. Allele origin: germline. Affected: yes. Observed: 1 variant allele.

Literature cited by the submitters: PubMed 21291455 (cited by Labcorp Genetics (formerly Invitae), Labcorp).